The following is an entry in ClinVar:

NM_001692.4(ATP6V1B1):c.1316_1317delinsA (p.Thr439fs)

Gene: ATP6V1B1 (ATPase H+ transporting V1 subunit B1; plus strand). Cytogenetic location: 2p13.3.
Variant type: Indel.
Coding change: c.1316_1317delinsA on transcript NM_001692.4 (MANE Select); coding-DNA positions 1316 to 1317, CC replaced by A.
Protein change: p.Thr439fs; shifts the reading frame from threonine 439.
Molecular consequence: frameshift variant.
Genome position (GRCh38, 1-based): chr2:70,964,803-70,964,804, CC replaced by A. VCF-style: chr2-70964803-CC-A. GRCh37 (hg19) VCF-style: chr2-71191933-CC-A.
Other names: short protein forms T439fs.
Identifiers: ClinVar variation 4814930 (VCV004814930.1).

ClinVar aggregate classification (germline): Likely pathogenic (1 of 4 stars; one submission).

Conditions:
Renal tubular acidosis with progressive nerve deafness. Also called: Distal Renal Tubular Acidosis with Progressive Sensorineural Deafness; renal tubular acidosis, distal, 2, with progressive sensorineural hearing loss; RENAL TUBULAR ACIDOSIS, AUTOSOMAL RECESSIVE, WITH PROGRESSIVE NERVE DEAFNESS; RTA WITH PROGRESSIVE NERVE DEAFNESS. Identifiers: MedGen C0403554, MONDO:0009968, OMIM 267300.

Submission:

Natera, Inc.
Classification: Likely pathogenic for Renal tubular acidosis with progressive nerve deafness. Last evaluated: 2024-07-23. Review status: criteria provided, single submitter. Criteria: Natera Variant Classification Schema (03/2026). Collection method: clinical testing. Allele origin: germline.
Comment: The c.1316_1317delinsA variant in ATP6V1B1 is a frameshift variant predicted to shift the reading frame beginning at codon 439 and leads to a stop codon 48 codons downstream. This variant is expected to result in nonsense mediated decay, truncation, or a dysfunctional protein product. This variant is rare in the general population with a frequency below the threshold expected for the associated phenotype(s). Given the available evidence, this variant is classified as Likely Pathogenic.